The following is an entry in ClinVar:

NM_006015.6(ARID1A):c.3751G>T (p.Gly1251Cys)

Gene: ARID1A (AT-rich interaction domain 1A; plus strand). Cytogenetic location: 1p36.11.
Variant type: single nucleotide variant.
Coding change: c.3751G>T on transcript NM_006015.6 (MANE Select); coding-DNA position 3751, G replaced by T.
Protein change: p.Gly1251Cys; replaces glycine 1251 with cysteine.
Molecular consequence: missense variant.
Genome position (GRCh38, 1-based): chr1:26,773,381, G>T. VCF-style: chr1-26773381-G-T. GRCh37 (hg19) VCF-style: chr1-27099872-G-T.
Other names: c.3751G>T, p.Gly1251Cys (NM_139135.4); short protein forms G1251C.
Identifiers: ClinVar variation 2889510 (VCV002889510.3), dbSNP rs780907164, ClinGen allele CA707298.

ClinVar aggregate classification (germline): Uncertain significance (1 of 4 stars; one submission).

Allele frequency attached by ClinVar (database versions not stated): ExAC 0.00002; gnomAD exomes 0.00002.
gnomAD v4.1: 24 of 1,610,848 alleles (0.0015%); highest among the groups gnomAD compares: Non-Finnish European, 0.002%; no homozygotes.

Submission:

Labcorp Genetics (formerly Invitae), Labcorp
Classification: Uncertain significance. Last evaluated: 2023-01-28. Review status: criteria provided, single submitter. Criteria: Invitae Variant Classification Sherloc (09022015). Collection method: clinical testing. Allele origin: germline.
Comment: In summary, the available evidence is currently insufficient to determine the role of this variant in disease. Therefore, it has been classified as a Variant of Uncertain Significance. Advanced modeling of protein sequence and biophysical properties (such as structural, functional, and spatial information, amino acid conservation, physicochemical variation, residue mobility, and thermodynamic stability) performed at Invitae indicates that this missense variant is not expected to disrupt ARID1A protein function. This variant has not been reported in the literature in individuals affected with ARID1A-related conditions. This variant is present in population databases (rs780907164, gnomAD 0.005%). This sequence change replaces glycine, which is neutral and non-polar, with cysteine, which is neutral and slightly polar, at codon 1251 of the ARID1A protein (p.Gly1251Cys).